The following is an entry in ClinVar:

NM_001042492.3(NF1):c.2851-1G>A

Gene: NF1 (neurofibromin 1; plus strand). Cytogenetic location: 17q11.2.
Variant type: single nucleotide variant.
Coding change: c.2851-1G>A on transcript NM_001042492.3 (MANE Select); the canonical splice acceptor site of the intron before coding-DNA position 2851, G replaced by A.
Molecular consequence: splice acceptor variant.
Genome position (GRCh38, 1-based): chr17:31,229,834, G>A. VCF-style: chr17-31229834-G-A. GRCh37 (hg19) VCF-style: chr17-29556852-G-A.
Other names: c.2851-1G>A (NM_000267.4).
Identifiers: ClinVar variation 665079 (VCV000665079.9), dbSNP rs1597716274, ClinGen allele CA398985943.

ClinVar aggregate classification (germline): Pathogenic/Likely pathogenic. Review status: criteria provided, multiple submitters, no conflicts (2 of 4 stars). 3 submissions from 3 submitters: Pathogenic (2); Likely pathogenic (1). Last evaluated 2025-05-19.

Conditions:
NF1-related disorder. Also called: NF1-related condition. Identifiers: MedGen CN379171.
Cardiovascular phenotype. Identifiers: MedGen CN230736.
Hereditary cancer-predisposing syndrome. Also called: Neoplastic Syndromes, Hereditary; Hereditary Cancer Syndrome; Tumor predisposition; Hereditary neoplastic syndrome. Identifiers: Orphanet 140162, MedGen C0027672, MeSH D009386, MONDO:0015356.
Neurofibromatosis, type 1 (NF1). Also called: Neurofibromatosis, type I; NEUROFIBROMATOSIS, TYPE I, SOMATIC; Peripheral type neurofibromatosis; VON RECKLINGHAUSEN DISEASE. Identifiers: Orphanet 636, MedGen C0027831, MONDO:0018975, OMIM 162200. Disease mechanism: loss of function.

Submissions (3):

Labcorp Genetics (formerly Invitae), Labcorp
Classification: Pathogenic for Neurofibromatosis, type 1. Last evaluated: 2025-05-19. Review status: criteria provided, single submitter. Criteria: Invitae Variant Classification Sherloc (09022015). Collection method: clinical testing. Allele origin: germline.
Comment: This sequence change affects an acceptor splice site in intron 21 of the NF1 gene. It is expected to disrupt RNA splicing. Variants that disrupt the donor or acceptor splice site typically lead to a loss of protein function (PMID: 16199547), and loss-of-function variants in NF1 are known to be pathogenic (PMID: 10712197, 23913538). This variant is not present in population databases (gnomAD no frequency). Disruption of this splice site has been observed in individual(s) with neurofibromatosis type I (PMID: 23913538, 24676424; internal data). ClinVar contains an entry for this variant (Variation ID: 665079). Algorithms developed to predict the effect of sequence changes on RNA splicing suggest that this variant may disrupt the consensus splice site. For these reasons, this variant has been classified as Pathogenic.

Ambry Genetics
Classification: Likely pathogenic for Cardiovascular phenotype; Hereditary cancer-predisposing syndrome. Last evaluated: 2022-07-12. Review status: criteria provided, single submitter. Criteria: Ambry Variant Classification Scheme 2023. Collection method: clinical testing. Allele origin: germline.
Comment: The c.2851-1G>A intronic variant results from a G to A substitution one nucleotide upstream from coding exon 22 of the NF1 gene. This nucleotide position is highly conserved in available vertebrate species. This variant was identified in 1 of 565 unrelated French probands with clinical diagnoses or suspicion of NF1 (Sabbagh A et al. Hum Mutat, 2013 Nov;34:1510-8). In silico splice site analysis predicts that this alteration will weaken the native splice acceptor site and may result in the creation or strengthening of a novel splice acceptor site. In addition to the clinical data presented in the literature, alterations that disrupt the canonical splice site are expected to cause aberrant splicing, resulting in an abnormal protein or a transcript that is subject to nonsense-mediated mRNA decay. As such, this alteration is classified as likely pathogenic.

Blueprint Genetics
Classification: Pathogenic for NF1-related disorders. Last evaluated: 2020-08-24. Review status: criteria provided, single submitter. Criteria: ACMG Guidelines, 2015. Collection method: clinical testing. Allele origin: germline. Affected: yes. Observed: 1 variant allele.

Literature cited by the submitters: PubMed 16199547 (cited by Labcorp Genetics (formerly Invitae), Labcorp); PubMed 10712197 (cited by Labcorp Genetics (formerly Invitae), Labcorp); PubMed 23913538 (cited by Labcorp Genetics (formerly Invitae), Labcorp); PubMed 24676424 (cited by Labcorp Genetics (formerly Invitae), Labcorp).